The following is an entry in ClinVar:

NM_003480.4(MFAP5):c.335+12C>A

Gene: MFAP5 (microfibril associated protein 5; minus strand). Cytogenetic location: 12p13.31.
Variant type: single nucleotide variant.
Coding change: c.335+12C>A on transcript NM_003480.4 (MANE Select); 12 bases into the intron after coding-DNA position 335, C replaced by A.
Molecular consequence: intron variant.
Genome position (GRCh38, 1-based): chr12:8,650,490, G>T on the plus strand (C>A on the coding strand, the complement: MFAP5 is on the minus strand). VCF-style: chr12-8650490-G-T. GRCh37 (hg19) VCF-style: chr12-8803086-G-T.
Other names: c.269+12C>A (NM_001297710.2); c.260+12C>A (NM_001297711.2); c.218-2287C>A (NM_001297712.2); c.305+12C>A (NM_001297709.2).
Identifiers: ClinVar variation 511523 (VCV000511523.1), dbSNP rs1555137911, ClinGen allele CA658797839.
Genomic context (GRCh38, chr12:8,650,490, plus strand): 5'-GCTCATTAAATAGTTATCAACACAGAAACACTACCATGGAAGATGCTTTTTGGGCATTCT[G>T]GGATCCCTTACCTGGTGAAGCATAACTGATGAATGCATTGTTTAACCGGCCGATGCACAG-3'

ClinVar aggregate classification (germline): Likely benign (1 of 4 stars; one submission).

Allele frequency attached by ClinVar (database versions not stated): gnomAD exomes below 0.00001.
gnomAD v4.1: 3 of 1,611,432 alleles (0.00019%); highest among the groups gnomAD compares: South Asian, 0.0033%; no homozygotes.

Submission:

GeneDx
Classification: Likely benign. Last evaluated: 2017-08-18. Review status: criteria provided, single submitter. Criteria: GeneDx Variant Classification (06012015). Collection method: clinical testing. Allele origin: germline. Affected: yes.
Comment: This variant is considered likely benign or benign based on one or more of the following criteria: it is a conservative change, it occurs at a poorly conserved position in the protein, it is predicted to be benign by multiple in silico algorithms, and/or has population frequency not consistent with disease.